The following is an entry in ClinVar:

NM_182972.3(IRF2BP2):c.116G>T (p.Gly39Val)

Gene: IRF2BP2 (interferon regulatory factor 2 binding protein 2; minus strand). Cytogenetic location: 1q42.3.
Variant type: single nucleotide variant.
Coding change: c.116G>T on transcript NM_182972.3 (MANE Select); coding-DNA position 116, G replaced by T.
Protein change: p.Gly39Val; replaces glycine 39 with valine.
Molecular consequence: missense variant.
Genome position (GRCh38, 1-based): chr1:234,609,379, C>A on the plus strand (G>T on the coding strand, the complement: IRF2BP2 is on the minus strand). VCF-style: chr1-234609379-C-A. GRCh37 (hg19) VCF-style: chr1-234745125-C-A.
Other names: c.116G>T, p.Gly39Val (NM_001077397.1); short protein forms G39V.
Identifiers: ClinVar variation 1367304 (VCV001367304.8), dbSNP rs1672277101, ClinGen allele CA345311961.

ClinVar aggregate classification (germline): Uncertain significance (1 of 4 stars; one submission).

Submission:

Labcorp Genetics (formerly Invitae), Labcorp
Classification: Uncertain significance. Last evaluated: 2024-09-30. Review status: criteria provided, single submitter. Criteria: Invitae Variant Classification Sherloc (09022015). Collection method: clinical testing. Allele origin: germline.
Comment: This sequence change replaces glycine, which is neutral and non-polar, with valine, which is neutral and non-polar, at codon 39 of the IRF2BP2 protein (p.Gly39Val). This variant is not present in population databases (gnomAD no frequency). This variant has not been reported in the literature in individuals affected with IRF2BP2-related conditions. ClinVar contains an entry for this variant (Variation ID: 1367304). An algorithm developed to predict the effect of missense changes on protein structure and function (PolyPhen-2) suggests that this variant is likely to be disruptive. In summary, the available evidence is currently insufficient to determine the role of this variant in disease. Therefore, it has been classified as a Variant of Uncertain Significance.